The following is an entry in ClinVar:

NM_005173.4(ATP2A3):c.2021G>A (p.Arg674His)

Gene: ATP2A3 (ATPase sarcoplasmic/endoplasmic reticulum Ca2+ transporting 3; minus strand). Cytogenetic location: 17p13.2.
Variant type: single nucleotide variant.
Coding change: c.2021G>A on transcript NM_005173.4 (MANE Select); coding-DNA position 2021, G replaced by A.
Protein change: p.Arg674His; replaces arginine 674 with histidine.
Molecular consequence: missense variant.
Genome position (GRCh38, 1-based): chr17:3,941,050, C>T on the plus strand (G>A on the coding strand, the complement: ATP2A3 is on the minus strand). VCF-style: chr17-3941050-C-T. GRCh37 (hg19) VCF-style: chr17-3844344-C-T.
Other names: c.2021G>A, p.Arg674His (NM_174953.3, NM_174954.3, NM_174955.3 and 3 more transcripts); short protein forms R674H.
Identifiers: ClinVar variation 3035339 (VCV003035339.2), dbSNP rs144535413, ClinGen allele CA8296990.

ClinVar aggregate classification (germline): Benign (0 of 4 stars; one submission).

Conditions:
ATP2A3-related disorder. Also called: ATP2A3-related condition.

Allele frequency attached by ClinVar (database versions not stated): 1000 Genomes Project 30x 0.00156; 1000 Genomes Project 0.00160; TOPMed 0.00264; ESP Exome Variant Server 0.00339; gnomAD exomes 0.00495; ExAC 0.00546.
gnomAD v4.1: 7,825 of 1,613,650 alleles (0.48%); highest among the groups gnomAD compares: Non-Finnish European, 0.52%; 36 homozygotes.

Submission:

PreventionGenetics, part of Exact Sciences
Classification: Benign for ATP2A3-related condition. Last evaluated: 2019-08-26. Review status: no assertion criteria provided. Collection method: clinical testing. Allele origin: germline.
Comment: This variant is classified as benign based on ACMG/AMP sequence variant interpretation guidelines (Richards et al. 2015 PMID: 25741868, with internal and published modifications).